The following is an entry in ClinVar:

NM_001370466.1(NOD2):c.2381+199A>G

Gene: NOD2 (nucleotide binding oligomerization domain containing 2; plus strand). Cytogenetic location: 16q12.1.
Variant type: single nucleotide variant.
Coding change: c.2381+199A>G on transcript NM_001370466.1 (MANE Select); 199 bases into the intron after coding-DNA position 2381, A replaced by G.
Molecular consequence: intron variant.
Genome position (GRCh38, 1-based): chr16:50,712,572, A>G. VCF-style: chr16-50712572-A-G. GRCh37 (hg19) VCF-style: chr16-50746483-A-G.
Other names: c.2462+199A>G (LRG_177t1, NM_022162.3); c.2381+199A>G (NM_001293557.2).
Identifiers: ClinVar variation 103121 (VCV000103121.2), dbSNP rs199475917, ClinGen allele CA230152.

ClinVar aggregate classification (germline): not provided (0 of 4 stars; one submission).

Allele frequency attached by ClinVar (database versions not stated): gnomAD exomes 0.00006; gnomAD 0.00053 and 0.00058; TOPMed 0.00067.
gnomAD v4.1: 112 of 669,936 alleles (0.017%); highest among the groups gnomAD compares: African/African-American, 0.19%; 1 homozygote.

Submission:

Human Evolutionary Genetics, Institut Pasteur
No classification provided. Review status: no classification provided. Collection method: not provided. Allele origin: germline.
ClinVar note: Converted during submission from untested to not provided.